The following is an entry in ClinVar:

NM_199511.3(CCDC80):c.1385G>A (p.Arg462His)

Gene: CCDC80 (coiled-coil domain containing 80; minus strand). Cytogenetic location: 3q13.2.
Variant type: single nucleotide variant.
Coding change: c.1385G>A on transcript NM_199511.3 (MANE Select); coding-DNA position 1385, G replaced by A.
Protein change: p.Arg462His; replaces arginine 462 with histidine.
Molecular consequence: missense variant.
Genome position (GRCh38, 1-based): chr3:112,638,521, C>T on the plus strand (G>A on the coding strand, the complement: CCDC80 is on the minus strand). VCF-style: chr3-112638521-C-T. GRCh37 (hg19) VCF-style: chr3-112357368-C-T.
Other names: c.1385G>A, p.Arg462His (NM_199512.3); short protein forms R462H.
Identifiers: ClinVar variation 2654034 (VCV002654034.24), dbSNP rs138501198, ClinGen allele CA2540587.

ClinVar aggregate classification (germline): Likely benign (1 of 4 stars; one submission).

Allele frequency attached by ClinVar (database versions not stated): 1000 Genomes Project 30x 0.00031; 1000 Genomes Project 0.00040; gnomAD 0.00048; TOPMed 0.00062; ESP Exome Variant Server 0.00077; gnomAD exomes 0.00082; ExAC 0.00127.
gnomAD v4.1: 1,274 of 1,614,038 alleles (0.079%); highest among the groups gnomAD compares: Admixed American, 0.31%; 5 homozygotes.

Submission:

CeGaT Center for Human Genetics Tuebingen
Classification: Likely benign. Last evaluated: 2023-03-01. Review status: criteria provided, single submitter. Criteria: CeGaT Center For Human Genetics Tuebingen Variant Classification Criteria Version 2. Collection method: clinical testing. Allele origin: germline. Affected: yes. Observed: 2 variant alleles.
Comment: CCDC80: BP4, BS2